The following is an entry in ClinVar:

ClinVar aggregate classification (germline): Conflicting classifications of pathogenicity. Review status: criteria provided, conflicting classifications (1 of 4 stars). 3 submissions from 3 submitters: Uncertain significance (2); Likely benign (1). Last evaluated 2025-03-27.

Conditions:
Inborn genetic diseases. Identifiers: MedGen C0950123, MeSH D030342.

gnomAD v4.1: 5 of 1,612,788 alleles (0.00031%); highest among the groups gnomAD compares: Middle Eastern, 0.017%; no homozygotes.

Submissions (3):

Labcorp Genetics (formerly Invitae), Labcorp
Classification: Uncertain significance. Last evaluated: 2025-03-27. Review status: criteria provided, single submitter. Criteria: Invitae Variant Classification Sherloc (09022015). Collection method: clinical testing. Allele origin: germline.
Comment: This sequence change replaces glutamic acid, which is acidic and polar, with alanine, which is neutral and non-polar, at codon 2 of the DDX41 protein (p.Glu2Ala). This variant is not present in population databases (gnomAD no frequency). This variant has not been reported in the literature in individuals affected with DDX41-related conditions. ClinVar contains an entry for this variant (Variation ID: 1337821). An algorithm developed to predict the effect of missense changes on protein structure and function outputs the following: PolyPhen-2: "Benign". The alanine amino acid residue is found in multiple mammalian species, which suggests that this missense change does not adversely affect protein function. In summary, the available evidence is currently insufficient to determine the role of this variant in disease. Therefore, it has been classified as a Variant of Uncertain Significance.

Ambry Genetics
Classification: Likely benign for Inborn genetic diseases. Last evaluated: 2025-03-01. Review status: criteria provided, single submitter. Criteria: Ambry Variant Classification Scheme 2023. Collection method: clinical testing. Allele origin: germline.

Genetic Services Laboratory, University of Chicago
Classification: Uncertain significance. Last evaluated: 2021-01-25. Review status: criteria provided, single submitter. Criteria: ACMG Guidelines, 2015. Collection method: clinical testing. Allele origin: germline. Affected: no.
Comment: This sequence change does not appear to have been previously described in patients with DDX41-related disorders. This sequence change is absent from the large population databases such as ExAC and gnomAD. The p.Glu2Ala change affects a poorly conserved amino acid residue located in a domain of the DDX41 protein that is not known to be functional. The p.Glu2Ala substitution appears to be benign using several in-silico pathogenicity prediction tools (SIFT, PolyPhen2, Align GVGD, REVEL) however this information does not predict clinical significance on its own. Due to these contrasting evidences and the lack of functional studies, the clinical significance of the p.Glu2Ala change remains unknown at this time.

NM_016222.4(DDX41):c.5A>C (p.Glu2Ala)

Gene: DDX41 (DEAD-box helicase 41; minus strand). Cytogenetic location: 5q35.3.
Variant type: single nucleotide variant.
Coding change: c.5A>C on transcript NM_016222.4 (MANE Select); coding-DNA position 5, A replaced by C.
Protein change: p.Glu2Ala; replaces glutamic acid 2 with alanine.
Molecular consequence: missense variant. On other transcripts: 5 prime UTR variant (2).
Genome position (GRCh38, 1-based): chr5:177,516,941, T>G on the plus strand (A>C on the coding strand, the complement: DDX41 is on the minus strand). VCF-style: chr5-177516941-T-G. GRCh37 (hg19) VCF-style: chr5-176943942-T-G.
Other names: c.-651A>C (NM_001321732.2); c.-443A>C (NM_001321830.2); c.5A>C (NM_016222.2); short protein forms E2A.
Identifiers: ClinVar variation 1337821 (VCV001337821.6), dbSNP rs1399847240, ClinGen allele CA362378198.